The following is an entry in ClinVar:

ClinVar aggregate classification (germline): Uncertain significance. Review status: criteria provided, multiple submitters, no conflicts (2 of 4 stars). 3 submissions from 3 submitters: Uncertain significance (3). Last evaluated 2025-04-09.

Conditions:
Charcot-Marie-Tooth disease type 2. Also called: Charcot-Marie-Tooth type 2. Identifiers: Orphanet 64746, MedGen C0270914, MONDO:0018993.
Cardiomyopathy (CMYO). Also called: Cardiomyopathies. Identifiers: Orphanet 167848, MedGen C0878544, MONDO:0004994, HP:0001638. Inheritance: Various modes of inheritance.
Cardiovascular phenotype. Identifiers: MedGen CN230736.

gnomAD v4.1: 9 of 1,593,910 alleles (0.00056%); highest among the groups gnomAD compares: Non-Finnish European, 0.00077%; no homozygotes.

Submissions (3):

Molecular Diagnostic Laboratory for Inherited Cardiovascular Disease, Montreal Heart Institute
Classification: Uncertain significance for Cardiovascular phenotype. Last evaluated: 2025-04-09. Review status: criteria provided, single submitter. Criteria: ACMG Guidelines, 2015. Collection method: clinical testing. Allele origin: germline. Affected: yes.

Color Diagnostics, LLC DBA Color Health
Classification: Uncertain significance for Cardiomyopathy. Last evaluated: 2024-01-30. Review status: criteria provided, single submitter. Criteria: ACMG Guidelines, 2015. Collection method: clinical testing. Allele origin: germline.
Comment: This missense variant replaces serine with leucine at codon 51 of the LMNA protein. Computational prediction tools indicate that this variant has a deleterious impact on protein structure and function. To our knowledge, functional studies have not been reported for this variant. This variant has been reported in one individual affected with primary electrical disease (PMID: 28341588). This variant has not been identified in the general population by the Genome Aggregation Database (gnomAD). The available evidence is insufficient to determine the role of this variant in disease conclusively. Therefore, this variant is classified as a Variant of Uncertain Significance.

Labcorp Genetics (formerly Invitae), Labcorp
Classification: Uncertain significance for Charcot-Marie-Tooth disease type 2. Last evaluated: 2023-07-23. Review status: criteria provided, single submitter. Criteria: Invitae Variant Classification Sherloc (09022015). Collection method: clinical testing. Allele origin: germline.
Comment: This sequence change replaces serine, which is neutral and polar, with leucine, which is neutral and non-polar, at codon 51 of the LMNA protein (p.Ser51Leu). This variant is not present in population databases (gnomAD no frequency). This variant has not been reported in the literature in individuals affected with LMNA-related conditions. ClinVar contains an entry for this variant (Variation ID: 666394). Advanced modeling of protein sequence and biophysical properties (such as structural, functional, and spatial information, amino acid conservation, physicochemical variation, residue mobility, and thermodynamic stability) performed at Invitae indicates that this missense variant is expected to disrupt LMNA protein function. In summary, the available evidence is currently insufficient to determine the role of this variant in disease. Therefore, it has been classified as a Variant of Uncertain Significance.

Literature cited by the submitters: PubMed 28341588 (cited by Color Diagnostics, LLC DBA Color Health).

NM_170707.4(LMNA):c.152C>T (p.Ser51Leu)

Gene: LMNA (lamin A/C; plus strand). Cytogenetic location: 1q22.
Variant type: single nucleotide variant.
Coding change: c.152C>T on transcript NM_170707.4 (MANE Select); coding-DNA position 152, C replaced by T.
Protein change: p.Ser51Leu; replaces serine 51 with leucine.
Molecular consequence: missense variant.
Genome position (GRCh38, 1-based): chr1:156,115,070, C>T. VCF-style: chr1-156115070-C-T. GRCh37 (hg19) VCF-style: chr1-156084861-C-T.
Other names: c.152C>T, p.Ser51Leu (NM_001282625.2, NM_001282626.2, NM_005572.4 and 1 more transcripts); short protein forms S51L.
Identifiers: ClinVar variation 666394 (VCV000666394.9), dbSNP rs1366035491, ClinGen allele CA342808008.